The following is an entry in ClinVar:

NM_004281.4(BAG3):c.1179A>C (p.Glu393Asp)

Gene: BAG3 (BAG cochaperone 3; plus strand). Cytogenetic location: 10q26.11.
Variant type: single nucleotide variant.
Coding change: c.1179A>C on transcript NM_004281.4 (MANE Select); coding-DNA position 1179, A replaced by C.
Protein change: p.Glu393Asp; replaces glutamic acid 393 with aspartic acid.
Molecular consequence: missense variant.
Genome position (GRCh38, 1-based): chr10:119,676,733, A>C. VCF-style: chr10-119676733-A-C. GRCh37 (hg19) VCF-style: chr10-121436245-A-C.
Other names: short protein forms E393D.
Identifiers: ClinVar variation 1741404 (VCV001741404.2), dbSNP rs780963692, ClinGen allele CA378296779.
Genomic context (GRCh38, chr10:119,676,733, plus strand): 5'-TCCTCCTCCCAGCCCTGGCCCTTCTGCTGTCCCCTCTTCCCCCAAGAGTGTGGCTACAGA[A>C]GAGAGGGCAGCCCCCAGCACTGCCCCTGCAGAAGCTACACCTCCAAAACCAGGAGAAGCC-3'
Protein context (NP_004272.2, residues 383-403): VPSSPKSVAT[Glu393Asp]ERAAPSTAPA

ClinVar aggregate classification (germline): Uncertain significance (1 of 4 stars; one submission).

Conditions:
Cardiovascular phenotype. Identifiers: MedGen CN230736.

Submission:

Ambry Genetics
Classification: Uncertain significance for Cardiovascular phenotype. Last evaluated: 2021-04-10. Review status: criteria provided, single submitter. Criteria: Ambry Variant Classification Scheme 2023. Collection method: clinical testing. Allele origin: germline.
Comment: The p.E393D variant (also known as c.1179A>C), located in coding exon 4 of the BAG3 gene, results from an A to C substitution at nucleotide position 1179. The glutamic acid at codon 393 is replaced by aspartic acid, an amino acid with highly similar properties. This amino acid position is well conserved in available vertebrate species. In addition, this alteration is predicted to be tolerated by in silico analysis. Since supporting evidence is limited at this time, the clinical significance of this alteration remains unclear.